The following is an entry in ClinVar:

ClinVar aggregate classification (germline): Uncertain significance (1 of 4 stars; one submission).

Conditions:
Catecholaminergic polymorphic ventricular tachycardia 1. Also called: RYR2-Related Catecholaminergic Polymorphic Ventricular Tachycardia; VENTRICULAR TACHYCARDIA, STRESS-INDUCED POLYMORPHIC 1; VENTRICULAR TACHYCARDIA, CATECHOLAMINERGIC POLYMORPHIC, 1, WITH OR WITHOUT ATRIAL DYSFUNCTION AND/OR DILATED CARDIOMYOPATHY. Identifiers: Orphanet 3286, MedGen C1631597, MONDO:0011484, OMIM 604772.

Submission:

Labcorp Genetics (formerly Invitae), Labcorp
Classification: Uncertain significance for Catecholaminergic polymorphic ventricular tachycardia 1. Last evaluated: 2021-06-26. Review status: criteria provided, single submitter. Criteria: Invitae Variant Classification Sherloc (09022015). Collection method: clinical testing. Allele origin: germline.
Comment: This sequence change falls in intron 77 of the RYR2 gene. It does not directly change the encoded amino acid sequence of the RYR2 protein. It affects a nucleotide within the consensus splice site of the intron. This variant is not present in population databases (ExAC no frequency). This variant has not been reported in the literature in individuals with RYR2-related conditions. Nucleotide substitutions within the consensus splice site are a relatively common cause of aberrant splicing (PMID: 17576681, 9536098). Algorithms developed to predict the effect of sequence changes on RNA splicing suggest that this variant may disrupt the consensus splice site, but this prediction has not been confirmed by published transcriptional studies. In summary, the available evidence is currently insufficient to determine the role of this variant in disease. Therefore, it has been classified as a Variant of Uncertain Significance.

Literature cited by the submitters: PubMed 17576681; PubMed 9536098.

NM_001035.3(RYR2):c.10935+6T>C

Gene: RYR2 (ryanodine receptor 2; plus strand). Cytogenetic location: 1q43.
Variant type: single nucleotide variant.
Coding change: c.10935+6T>C on transcript NM_001035.3 (MANE Select); 6 bases into the intron after coding-DNA position 10935, T replaced by C.
Molecular consequence: intron variant.
Genome position (GRCh38, 1-based): chr1:237,730,362, T>C. VCF-style: chr1-237730362-T-C. GRCh37 (hg19) VCF-style: chr1-237893662-T-C.
Identifiers: ClinVar variation 1515917 (VCV001515917.7), dbSNP rs773965672, ClinGen allele CA2573132865.